The following is an entry in ClinVar:

ClinVar aggregate classification (germline): Uncertain significance (1 of 4 stars; one submission).

Conditions:
Epidermolysis bullosa, junctional 4, intermediate. Also called: Epidermolysis bullosa, junctional, localisata variant; EPIDERMOLYSIS BULLOSA, JUNCTIONAL 4, NON-HERLITZ TYPE; EPIDERMOLYSIS BULLOSA, GENERALIZED ATROPHIC BENIGN. Identifiers: MedGen C2608084, MONDO:0030750, OMIM 619787.

gnomAD v4.1: 19 of 1,613,880 alleles (0.0012%); highest among the groups gnomAD compares: South Asian, 0.013%; no homozygotes.

Submission:

Neuberg Centre For Genomic Medicine, NCGM
Classification: Uncertain significance for Epidermolysis bullosa, junctional 4, intermediate. Last evaluated: 2023-05-20. Review status: criteria provided, single submitter. Criteria: ACMG Guidelines, 2015. Collection method: clinical testing. Allele origin: germline. Inheritance: Autosomal recessive inheritance. Affected: yes.
Comment: The observed missense c.3523G>A(p.Gly1175Ser) variant in COL17A1 gene has not been reported previously as a pathogenic variant nor a benign variant, to our knowledge. The p.Gly1175Ser variant has been reported with allele frequency of 0.004% in gnomAD Exomes. This variant has not been submitted to the ClinVar database. Multiple lines of computational evidences (Polyphen - Possibly damaging, SIFT - Damaging and MutationTaster - Disease causing) predict a damaging effect on protein structure and function for this variant. The reference amino acid is predicted as conserved by GERP++ and PhyloP across 100 vertebrates. The amino acid Gly at position 1175 is changed to a Ser changing protein sequence and it might alter its composition and physico-chemical properties. For these reasons, this variant has been classified as a Variant of Uncertain Significance (VUS).

NM_000494.4(COL17A1):c.3523G>A (p.Gly1175Ser)

Gene: COL17A1 (collagen type XVII alpha 1 chain; minus strand). Cytogenetic location: 10q25.1.
Variant type: single nucleotide variant.
Coding change: c.3523G>A on transcript NM_000494.4 (MANE Select); coding-DNA position 3523, G replaced by A.
Protein change: p.Gly1175Ser; replaces glycine 1175 with serine.
Molecular consequence: missense variant.
Genome position (GRCh38, 1-based): chr10:104,035,359, C>T on the plus strand (G>A on the coding strand, the complement: COL17A1 is on the minus strand). VCF-style: chr10-104035359-C-T. GRCh37 (hg19) VCF-style: chr10-105795117-C-T.
Other names: short protein forms G1175S.
Identifiers: ClinVar variation 3367143 (VCV003367143.1).